The following is an entry in ClinVar:

ClinVar aggregate classification (germline): Uncertain significance (1 of 4 stars; one submission).

Conditions:
Hereditary cancer-predisposing syndrome. Also called: Hereditary Cancer Syndrome; Neoplastic Syndromes, Hereditary; Hereditary neoplastic syndrome; Tumor predisposition. Identifiers: Orphanet 140162, MedGen C0027672, MeSH D009386, MONDO:0015356.

Submission:

Ambry Genetics
Classification: Uncertain significance for Hereditary cancer-predisposing syndrome. Last evaluated: 2013-07-21. Review status: criteria provided, single submitter. Criteria: Ambry Autosomal Dominant and X-Linked criteria (10/2015). Collection method: clinical testing. Allele origin: germline. Observed: 1 variant allele.
Comment: There is insufficient or conflicting evidence for classification of this alteration.

NM_005591.4(MRE11):c.247T>G (p.Cys83Gly)

Gene: MRE11 (MRE11 double strand break repair nuclease; minus strand). Cytogenetic location: 11q21.
Variant type: single nucleotide variant.
Coding change: c.247T>G on transcript NM_005591.4 (MANE Select); coding-DNA position 247, T replaced by G.
Protein change: p.Cys83Gly; replaces cysteine 83 with glycine.
Molecular consequence: missense variant.
Genome position (GRCh38, 1-based): chr11:94,485,991, A>C on the plus strand (T>G on the coding strand, the complement: MRE11 is on the minus strand). VCF-style: chr11-94485991-A-C. GRCh37 (hg19) VCF-style: chr11-94219157-A-C.
Other names: c.247T>G, p.Cys83Gly (NM_001330347.2, NM_005590.4); short protein forms C83G.
Identifiers: ClinVar variation 142474 (VCV000142474.3), dbSNP rs587782486, ClinGen allele CA168449.
Genomic context (GRCh38, chr11:94,485,991, plus strand): 5'-AACCAAAGTTGACTGACTGATCACTGAGAATTTCAAACTGGACAGGCCGATCACCCATAC[A>C]ATATTTTCTTAATAACTCGAGGCAGGTATGTAATGTTTTCCTTGAGGGCTTATTTTCATG-3'
Protein context (NP_005582.1, residues 73-93): HTCLELLRKY[Cys83Gly]MGDRPVQFEI